The following is an entry in ClinVar:

NM_018012.4(KIF26B):c.4125G>A (p.Thr1375=)

Gene: KIF26B (kinesin family member 26B; plus strand). Cytogenetic location: 1q44.
Variant type: single nucleotide variant.
Coding change: c.4125G>A on transcript NM_018012.4 (MANE Select); coding-DNA position 4125, G replaced by A.
Protein change: p.Thr1375=; no amino-acid change (threonine 1375 retained).
Molecular consequence: synonymous variant.
Genome position (GRCh38, 1-based): chr1:245,687,108, G>A. VCF-style: chr1-245687108-G-A. GRCh37 (hg19) VCF-style: chr1-245850410-G-A.
Identifiers: ClinVar variation 2640232 (VCV002640232.24), dbSNP rs775336709, ClinGen allele CA1488399.
Genomic context (GRCh38, chr1:245,687,108, plus strand): 5'-CCCCATCAAAGGCTGCAAAATATCCACAGTGAGCAAGGCCATGGTCACCATCTCCAACAC[G>A]GCCAATCTGAGCAGCTGCGAGGGGTACATCCCCATGAAGACCAATATCACAGTTTACCCC-3'
Protein context (NP_060482.2, residues 1365-1385): VSKAMVTISN[Thr1375=]ANLSSCEGYI

ClinVar aggregate classification (germline): Likely benign (1 of 4 stars; one submission).

Allele frequency attached by ClinVar (database versions not stated): ExAC 0.00001; gnomAD 0.00001; gnomAD exomes 0.00001; TOPMed 0.00001.
gnomAD v4.1: 11 of 1,613,272 alleles (0.00068%); highest among the groups gnomAD compares: East Asian, 0.0045%; no homozygotes.

Submission:

CeGaT Center for Human Genetics Tuebingen
Classification: Likely benign. Last evaluated: 2023-03-01. Review status: criteria provided, single submitter. Criteria: CeGaT Center For Human Genetics Tuebingen Variant Classification Criteria Version 2. Collection method: clinical testing. Allele origin: germline. Affected: yes. Observed: 1 variant allele.
Comment: KIF26B: BP4, BP7